The following is an entry in ClinVar:

ClinVar aggregate classification (germline): Likely pathogenic. Review status: criteria provided, multiple submitters, no conflicts (2 of 4 stars). 4 submissions from 4 submitters: Likely pathogenic (4). Last evaluated 2025-06-09.

Conditions:
Familial cancer of breast. Also called: hereditary breast carcinoma; BREAST CANCER, FAMILIAL; Hereditary breast cancer. Identifiers: Orphanet 227535, MedGen C0346153, MONDO:0016419, OMIM 114480. Disease mechanism: loss of function.
Fanconi anemia complementation group J. Also called: BRIP1-Related Fanconi Anemia. Identifiers: Orphanet 84, MedGen C1836860, MONDO:0012187, OMIM 609054.
Hereditary cancer-predisposing syndrome. Also called: Hereditary Cancer Syndrome; Hereditary neoplastic syndrome; Neoplastic Syndromes, Hereditary; Tumor predisposition. Identifiers: Orphanet 140162, MedGen C0027672, MeSH D009386, MONDO:0015356.

Submissions (4):

Ambry Genetics
Classification: Likely pathogenic for Hereditary cancer-predisposing syndrome. Last evaluated: 2025-06-09. Review status: criteria provided, single submitter. Criteria: Ambry Variant Classification Scheme 2023. Collection method: clinical testing. Allele origin: germline.
Comment: The c.1340+2_1340+5delTAAG intronic variant, located in intron 8 of the BRIP1 gene, results from a deletion of 4 nucleotides within intron 8 and involves the canonical splice donor site after coding exon 8 of the BRIP1 gene. In silico splice site analysis predicts that this alteration will weaken the native splice donor site; however, direct evidence is insufficient at this time (Ambry internal data). Alterations that disrupt the canonical splice site are expected to cause aberrant splicing, resulting in an abnormal protein or a transcript that is subject to nonsense-mediated mRNA decay. As such, this alteration is classified as likely pathogenic.

Labcorp Genetics (formerly Invitae), Labcorp
Classification: Likely pathogenic for Familial cancer of breast; Fanconi anemia complementation group J. Last evaluated: 2024-09-08. Review status: criteria provided, single submitter. Criteria: Invitae Variant Classification Sherloc (09022015). Collection method: clinical testing. Allele origin: germline.
Comment: This sequence change affects a splice site in intron 9 of the BRIP1 gene. It is expected to disrupt RNA splicing. Variants that disrupt the donor or acceptor splice site typically lead to a loss of protein function (PMID: 16199547), and loss-of-function variants in BRIP1 are known to be pathogenic (PMID: 16116423, 17033622, 21964575). This variant is not present in population databases (gnomAD no frequency). This variant has not been reported in the literature in individuals affected with BRIP1-related conditions. ClinVar contains an entry for this variant (Variation ID: 918431). Algorithms developed to predict the effect of sequence changes on RNA splicing suggest that this variant may disrupt the consensus splice site. In summary, the currently available evidence indicates that the variant is pathogenic, but additional data are needed to prove that conclusively. Therefore, this variant has been classified as Likely Pathogenic.

Myriad Genetics, Inc.
Classification: Likely pathogenic for Familial cancer of breast. Last evaluated: 2023-06-01. Review status: criteria provided, single submitter. Criteria: Myriad Autosomal Dominant, Autosomal Recessive and X-Linked Classification Criteria (2023). Collection method: clinical testing. Allele origin: unknown.
Comment: This variant is considered likely pathogenic. This variant occurs within a consensus splice junction and is predicted to result in abnormal mRNA splicing of either an out-of-frame exon or an in-frame exon necessary for protein stability and/or normal function.

Color Diagnostics, LLC DBA Color Health
Classification: Likely pathogenic for Hereditary cancer-predisposing syndrome. Last evaluated: 2019-09-30. Review status: criteria provided, single submitter. Criteria: ACMG Guidelines, 2015. Collection method: clinical testing. Allele origin: germline.
Comment: This variant deletes 4 nucleotides from +2 to +5 position in intron 9 of the BRIP1 gene. Splice site prediction tools predict that this variant may have a significant impact on RNA splicing. Although this prediction has not been confirmed in published RNA studies, this variant is expected to result in an absent or disrupted protein product. This variant has not been reported in individuals affected with hereditary cancer in the literature. This variant has not been identified in the general population by the Genome Aggregation Database (gnomAD). Loss of BRIP1 function is a known mechanism of disease. Based on the available evidence, this variant is classified as Likely Pathogenic.

Literature cited by the submitters: PubMed 16199547 (cited by Labcorp Genetics (formerly Invitae), Labcorp); PubMed 16116423 (cited by Labcorp Genetics (formerly Invitae), Labcorp); PubMed 17033622 (cited by Labcorp Genetics (formerly Invitae), Labcorp); PubMed 21964575 (cited by Labcorp Genetics (formerly Invitae), Labcorp).

NM_032043.3(BRIP1):c.1340+2_1340+5del

Gene: BRIP1 (BRCA1 interacting DNA helicase 1; minus strand). Cytogenetic location: 17q23.2.
Variant type: Microsatellite.
Coding change: c.1340+2_1340+5del on transcript NM_032043.3 (MANE Select); the canonical splice donor site of the intron after coding-DNA position 1340 through 5 bases into the intron after coding-DNA position 1340, 4 bases deleted (TAAG; older notation c.1340+2_1340+5delTAAG).
Molecular consequence: splice donor variant.
Genome position (GRCh38, 1-based): chr17:61,799,095-61,799,098, CTTA deleted on the plus strand (TAAG on the coding strand, the reverse complement: BRIP1 is on the minus strand); deleting any 4 consecutive bases within chr17:61,799,095-61,799,102 gives the same sequence; the c. name uses the placement nearest the transcript's 3' end. VCF-style (leftmost placement, unchanged base first): chr17-61799094-TCTTA-T. GRCh37 (hg19) VCF-style: chr17-59876455-TCTTA-T.
Other names: c.1340+2_1340+5delTAAG (NM_032043.2).
Identifiers: ClinVar variation 918431 (VCV000918431.16), dbSNP rs2077945546, ClinGen allele CA1139665788.